The following is an entry in ClinVar:

NM_025137.4(SPG11):c.749_750insCTG (p.Gln250delinsHisTer)

Gene: SPG11 (SPG11 vesicle trafficking associated, spatacsin; minus strand). Cytogenetic location: 15q21.1.
Variant type: Insertion.
Coding change: c.749_750insCTG on transcript NM_025137.4 (MANE Select); coding-DNA positions 749 to 750, CTG inserted.
Protein change: p.Gln250delinsHisTer.
Molecular consequence: nonsense.
Genome position: GRCh38 VCF-style: chr15-44657214-T-TCAG. GRCh37 (hg19) VCF-style: chr15-44949412-T-TCAG.
Other names: c.749_750insCTG, p.Gln250delinsHisTer (NM_001160227.2); c.749_750insCTG, p.Gln250_Ile584delinsHisTer (NM_001411132.1).
Identifiers: ClinVar variation 2132915 (VCV002132915.4), dbSNP rs2505759097, ClinGen allele CA2580089463.

ClinVar aggregate classification (germline): Pathogenic (1 of 4 stars; one submission).

Conditions:
Hereditary spastic paraplegia 11. Also called: Spastic Paraplegia 11; Spastic paraplegia, mental retardation and thin corpus callosum; Nakamura Osame syndrome; Autosomal recessive hereditary spastic paraplegia, mental impairment, and thin corpus callosum; SPASTIC PARAPLEGIA, AUTOSOMAL RECESSIVE, COMPLICATED, WITH THIN CORPUS CALLOSUM; SPASTIC PARAPLEGIA, AUTOSOMAL RECESSIVE, WITH MENTAL IMPAIRMENT AND THIN CORPUS CALLOSUM. Identifiers: Orphanet 2822, MedGen C1858479, MONDO:0011445, OMIM 604360.

Submission:

Labcorp Genetics (formerly Invitae), Labcorp
Classification: Pathogenic for Hereditary spastic paraplegia 11. Last evaluated: 2022-05-04. Review status: criteria provided, single submitter. Criteria: Invitae Variant Classification Sherloc (09022015). Collection method: clinical testing. Allele origin: germline.
Comment: For these reasons, this variant has been classified as Pathogenic. Algorithms developed to predict the effect of sequence changes on RNA splicing suggest that this variant may disrupt the consensus splice site. This sequence change creates a premature translational stop signal (p.Gln250Hisfs*2) in the SPG11 gene. It is expected to result in an absent or disrupted protein product. Loss-of-function variants in SPG11 are known to be pathogenic (PMID: 19105190, 20110243, 22154821, 26556829). This variant is not present in population databases (gnomAD no frequency). This variant has not been reported in the literature in individuals affected with SPG11-related conditions.

Literature cited by the submitters: PubMed 19105190; PubMed 20110243; PubMed 22154821; PubMed 26556829.